The following is an entry in ClinVar:

ClinVar aggregate classification (germline): Pathogenic (3 of 4 stars; one submission).

Conditions:
Breast-ovarian cancer, familial, susceptibility to, 2 (BROVCA2). Also called: BRCA2 Hereditary Breast and Ovarian Cancer. Identifiers: Orphanet 145, MedGen C2675520, MONDO:0012933, OMIM 612555. Disease mechanism: loss of function.

Submission:

Evidence-based Network for the Interpretation of Germline Mutant Alleles (ENIGMA)
Classification: Pathogenic for Breast-ovarian cancer, familial, susceptibility to, 2. Last evaluated: 2017-12-15. Review status: reviewed by expert panel. Criteria: ENIGMA BRCA1/2 Classification Criteria (2017-06-29). Collection method: curation. Allele origin: germline. Study: ENIGMA.
Comment: Variant allele predicted to encode a truncated non-functional protein.

NM_000059.4(BRCA2):c.7233_7234insG (p.Thr2412fs)

Gene: BRCA2 (BRCA2 DNA repair associated; plus strand). Cytogenetic location: 13q13.1.
Variant type: Insertion.
Coding change: c.7233_7234insG on transcript NM_000059.4 (MANE Select); coding-DNA positions 7233 to 7234, G inserted.
Protein change: p.Thr2412fs; shifts the reading frame from threonine 2412.
Molecular consequence: frameshift variant.
Genome position: GRCh38 VCF-style: chr13-32355086-A-AG. GRCh37 (hg19) VCF-style: chr13-32929223-A-AG.
Other names: short protein forms T2412fs.
Identifiers: ClinVar variation 548430 (VCV000548430.1), dbSNP rs1555286054, ClinGen allele CA658823700.